The following is an entry in ClinVar:

NM_000035.4(ALDOB):c.1005C>G (p.Asn335Lys)

Gene: ALDOB (aldolase, fructose-bisphosphate B; minus strand). Cytogenetic location: 9q31.1.
Variant type: single nucleotide variant.
Coding change: c.1005C>G on transcript NM_000035.4 (MANE Select); coding-DNA position 1005, C replaced by G.
Protein change: p.Asn335Lys; replaces asparagine 335 with lysine.
Molecular consequence: missense variant.
Genome position (GRCh38, 1-based): chr9:101,421,899, G>C on the plus strand (C>G on the coding strand, the complement: ALDOB is on the minus strand). VCF-style: chr9-101421899-G-C. GRCh37 (hg19) VCF-style: chr9-104184181-G-C.
Other names: c.1005C>G, p.Asn335Lys (LRG_1244t1); short protein forms N335K.
Identifiers: ClinVar variation 469 (VCV000000469.74), dbSNP rs78340951, ClinGen allele CA339812.

ClinVar aggregate classification (germline): Pathogenic. Review status: criteria provided, multiple submitters, no conflicts (2 of 4 stars). 23 submissions from 23 submitters: Pathogenic (17). 6 of the submissions do not count toward it. Last evaluated 2026-06-25.

Conditions:
ALDOB-related disorder. Also called: ALDOB-related condition.
Glycogen storage disease. Also called: glycogen storage disorder; Disorder of glycogen metabolism. Identifiers: Orphanet 79201, MedGen C0017919, MONDO:0002412.
Hereditary fructosuria. Also called: Hereditary fructose intolerance; Fructose intolerance; ALDOB DEFICIENCY; ALDOLASE B DEFICIENCY; FRUCTOSE-1,6-BISPHOSPHATE ALDOLASE B DEFICIENCY; FRUCTOSE-1-PHOSPHATE ALDOLASE DEFICIENCY. Identifiers: Orphanet 469, MedGen C0016751, MONDO:0009249, OMIM 229600, HP:0005973. Disease mechanism: loss of function.

Allele frequency attached by ClinVar (database versions not stated): TOPMed 0.00011.
gnomAD v4.1: 179 of 1,613,598 alleles (0.011%); highest among the groups gnomAD compares: Non-Finnish European, 0.014%; no homozygotes.

Submissions 1 to 14 of 23:

Genetics Laboratory, Great Ormond Street Hospital NHS Foundation Trust, North Thames Genomic Laboratory Hub
Classification: Pathogenic for Glycogen storage disease. Last evaluated: 2026-06-25. Review status: criteria provided, single submitter. Criteria: ACGS Best Practice Guidelines for Variant Classification in Rare Disease 2024 v1.2. Collection method: clinical testing. Allele origin: germline. Affected: yes.
Comment: PM2_moderate, PS3_moderate, PM3_strong, PP4_moderate

Victorian Clinical Genetics Services, Murdoch Childrens Research Institute
Classification: Pathogenic for Hereditary fructosuria. Last evaluated: 2026-04-21. Review status: criteria provided, single submitter. Criteria: ACMG Guidelines, 2015. Collection method: clinical testing. Allele origin: germline. Affected: no.
Comment: This variant is classified as Pathogenic. Evidence in support of pathogenic classification: Variant is present in gnomAD <0.01 for a recessive condition (v4: 179 heterozygote(s), 0 homozygote(s)). - This variant has strong previous evidence of pathogenicity in unrelated individuals. This variant has been classified multiple times as pathogenic by clinical laboratories in ClinVar, and has been reported in the literature in many homozygous and compound heterozygous patients with hereditary fructose intolerance (ClinVar, PMIDs: 30833214, 15880727, 36384942); This variant has moderate functional evidence supporting abnormal protein function. In vitro assays demonstrate that this missense variant results in reduced catalytic activity and efficiency of substrates fructose-1,6-bisphosphate and fructose-1-phosphate (PMID: 12417303). Additional information: Variant is predicted to result in a missense amino acid change from Asn to Lys; This variant is heterozygous; This gene is associated with autosomal recessive disease; Alternative amino acid change(s) at the same position are present in gnomAD (highest allele count: v4: 2 heterozygote(s), 0 homozygote(s)). - Variant is located in the annotated glycolytic domain (DECIPHER); Loss of function is a known mechanism of disease in this gene and is associated with hereditary fructose intolerance (MIM#229600).

Labcorp Genetics (formerly Invitae), Labcorp
Classification: Pathogenic for Hereditary fructosuria. Last evaluated: 2026-01-11. Review status: criteria provided, single submitter. Criteria: Invitae Variant Classification Sherloc (09022015). Collection method: clinical testing. Allele origin: germline.
Comment: This sequence change replaces asparagine, which is neutral and polar, with lysine, which is basic and polar, at codon 335 of the ALDOB protein (p.Asn335Lys). This variant is present in population databases (rs78340951, gnomAD 0.02%). This missense change has been observed in individuals with fructose intolerance (PMID: 1856829, 2336380, 12205126, 15880727, 18541450, 19768653, 23430936). This variant is also known as p.Asn334Lys. ClinVar contains an entry for this variant (Variation ID: 469). An algorithm developed to predict the effect of missense changes on protein structure and function (PolyPhen-2) suggests that this variant is likely to be disruptive. Experimental studies have shown that this missense change affects ALDOB function (PMID: 12417303). For these reasons, this variant has been classified as Pathogenic.

Natera, Inc.
Classification: Pathogenic for Fructose intolerance. Last evaluated: 2026-01-04. Review status: criteria provided, single submitter. Criteria: Natera Variant Classification Schema (03/2026). Collection method: clinical testing. Allele origin: germline.
Comment: The c.1005C>G variant in ALDOB is a missense variant predicted to cause substitution of asparagine to lysine at amino acid 335. This variant is rare in the general population with a frequency below the threshold expected for the associated phenotype(s). This variant has been observed in one or more individuals affected with the associated recessive disease, as either homozygous or compound heterozygous with a second variant (PMID: 34162028, 36028839, 18541450, 15880727). Computational prediction algorithms indicate this variant is likely to affect gene or protein function. Given the available evidence, this variant is classified as Pathogenic.

GeneDx
Classification: Pathogenic. Last evaluated: 2025-04-16. Review status: criteria provided, single submitter. Criteria: GeneDx Variant Classification Process June 2021. Collection method: clinical testing. Allele origin: germline. Affected: yes.
Comment: Published functional studies demonstrate a damaging effect on the helical secondary structure and functional integrity (PMID: 12417303); In silico analysis supports that this missense variant has a deleterious effect on protein structure/function; This variant is associated with the following publications: (PMID: 10024431, 12205126, 15532022, 20033295, 11757579, 15880727, 20848650, 23430936, 19768653, 18188031, 29368648, 1856829, 18541450, 34426522, 31589614, 22975760, 34162028, 2336380, 12417303, 36384942)

North West Genomic Laboratory Hub, Manchester University NHS Foundation Trust
Classification: Pathogenic for Hereditary fructosuria. Last evaluated: 2024-07-31. Review status: criteria provided, single submitter. Criteria: ACGS Best Practice Guidelines for Variant Classification in Rare Disease 2020. Collection method: clinical testing. Allele origin: germline. Affected: yes.
Comment: PM2_Mod PS3_Mod PP3_Supp PM3_VStr

Dasa
Classification: Pathogenic. Last evaluated: 2024-07-10. Review status: criteria provided, single submitter. Criteria: DASA Assertion Criteria. Collection method: clinical testing. Allele origin: germline.
Comment: NM_000035.4(ALDOB):c.1005C>G (p.Asn335Lys) is a missense variant that results in the substitution of asparagine with lysine. Functional evidence supports a deleterious effect on the gene or gene product (PMID: 12417303; PMID: 36028839; PMID: 15880727). This variant has been recurrently observed in individuals with related phenotype (PMID: 12417303; PMID: 36028839; PMID: 15880727). Multiple computational predictions support a deleterious effect on the gene or gene product. The variant is present at low frequency in population datasets. Based on the available data, this variant is classified as pathogenic.

Fulgent Genetics
Classification: Pathogenic for Hereditary fructosuria. Last evaluated: 2024-05-03. Review status: criteria provided, single submitter. Criteria: ACMG Guidelines, 2015. Collection method: clinical testing. Allele origin: germline.

Laboratory of Medical Genetics, National & Kapodistrian University of Athens
Classification: Pathogenic for Hereditary fructosuria. Last evaluated: 2023-05-02. Review status: criteria provided, single submitter. Criteria: ACMG Guidelines, 2015. Collection method: clinical testing. Allele origin: germline. Affected: yes.
Comment: PM2, PP3, PP4, PP5

3billion
Classification: Pathogenic for Hereditary fructosuria. Last evaluated: 2023-02-23. Review status: criteria provided, single submitter. Criteria: ACMG Guidelines, 2015. Collection method: clinical testing. Allele origin: unknown. Affected: yes.
Comment: The variant is observed at an extremely low frequency in the gnomAD v2.1.1 dataset (total allele frequency: 0.012%). Protein truncation variants are a common disease-causing mechanism. In silico tool predictions suggest damaging effect of the variant on gene or gene product (REVEL: 0.69; 3Cnet: 0.48). Same nucleotide change resulting in same amino acid change has been previously reported as pathogenic/likely pathogenic with strong evidence (ClinVar ID: VCV000000469). The variant has been reported to be in trans with a pathogenic variant as either compound heterozygous or homozygous in at least 2 similarly affected unrelated individuals (PMID: 12205126, 15880727, 18541450, 19768653, 23430936). Therefore, this variant is classified as Pathogenic according to the recommendation of ACMG/AMP guideline.

Revvity Omics, Revvity
Classification: Pathogenic for Hereditary fructosuria. Last evaluated: 2022-12-15. Review status: criteria provided, single submitter. Criteria: ACMG Guidelines, 2015. Collection method: clinical testing. Allele origin: germline.

CeGaT Center for Human Genetics Tuebingen
Classification: Pathogenic. Last evaluated: 2022-11-01. Review status: criteria provided, single submitter. Criteria: CeGaT Center For Human Genetics Tuebingen Variant Classification Criteria Version 2. Collection method: clinical testing. Allele origin: germline. Affected: yes. Observed: 1 variant allele.
Comment: ALDOB: PS3, PS4, PP1:Moderate

Mendelics
Classification: Pathogenic for Hereditary fructosuria. Last evaluated: 2022-05-04. Review status: criteria provided, single submitter. Criteria: Mendelics Assertion Criteria 2019. Collection method: clinical testing. Allele origin: germline.

Myriad Genetics, Inc.
Classification: Pathogenic for Hereditary fructosuria. Last evaluated: 2019-12-19. Review status: criteria provided, single submitter. Criteria: Myriad Women's Health Autosomal Recessive and X-Linked Classification Criteria (2019). Collection method: clinical testing. Allele origin: unknown.
Comment: NM_000035.3(ALDOB):c.1005C>G(N335K) is classified as pathogenic in the context of hereditary fructose intolerance. Sources cited for classification include the following: PMID 2336380, 15880727, 20033295, and 8541450. Classification of NM_000035.3(ALDOB):c.1005C>G(N335K) is based on the following criteria: This is a well-established pathogenic variant in the literature that has been observed more frequently in patients with clinical diagnoses than in healthy populations. Please note: this variant was assessed in the context of healthy population screening.